The following is an entry in ClinVar:

ClinVar aggregate classification (germline): Likely pathogenic (1 of 4 stars; one submission).

Conditions:
Maple syrup urine disease (MSUD). Identifiers: Orphanet 511, MedGen C0024776, MeSH D008375, MONDO:0009563. Disease mechanism: loss of function.

Submission:

Genome-Nilou Lab
Classification: Likely pathogenic for Maple syrup urine disease type 1A. Last evaluated: 2022-03-06. Review status: criteria provided, single submitter. Criteria: ACMG Guidelines, 2015. Collection method: clinical testing. Allele origin: germline. Inheritance: Autosomal recessive inheritance. Affected: yes.

NM_001918.5(DBT):c.820C>A (p.Pro274Thr)

Gene: DBT (dihydrolipoamide branched chain transacylase E2; minus strand). Cytogenetic location: 1p21.2.
Variant type: single nucleotide variant.
Coding change: c.820C>A on transcript NM_001918.5 (MANE Select); coding-DNA position 820, C replaced by A.
Protein change: p.Pro274Thr; replaces proline 274 with threonine.
Molecular consequence: missense variant.
Genome position (GRCh38, 1-based): chr1:100,214,936, G>T on the plus strand (C>A on the coding strand, the complement: DBT is on the minus strand). VCF-style: chr1-100214936-G-T. GRCh37 (hg19) VCF-style: chr1-100680492-G-T.
Other names: short protein forms P274T.
Identifiers: ClinVar variation 1342939 (VCV001342939.3), dbSNP rs1310427311, ClinGen allele CA341337803.